The following is an entry in ClinVar:

ClinVar aggregate classification (germline): Uncertain significance (1 of 4 stars; one submission).

Conditions:
RYR1-related disorder. Also called: RYR1-related condition; RYR1-related disorders. Identifiers: MedGen CN239331.

Allele frequency attached by ClinVar (database versions not stated): ESP Exome Variant Server 0.00008; TOPMed below 0.00001.
gnomAD v4.1: 24 of 1,613,460 alleles (0.0015%); highest among the groups gnomAD compares: Non-Finnish European, 0.0018%; no homozygotes.

Submission:

Labcorp Genetics (formerly Invitae), Labcorp
Classification: Uncertain significance for RYR1-related disorder. Last evaluated: 2025-04-21. Review status: criteria provided, single submitter. Criteria: Invitae Variant Classification Sherloc (09022015). Collection method: clinical testing. Allele origin: germline.
Comment: This sequence change replaces valine, which is neutral and non-polar, with methionine, which is neutral and non-polar, at codon 1783 of the RYR1 protein (p.Val1783Met). This variant is present in population databases (rs375160141, gnomAD 0.003%). This variant has not been reported in the literature in individuals affected with RYR1-related conditions. ClinVar contains an entry for this variant (Variation ID: 1421367). Invitae Evidence Modeling of protein sequence and biophysical properties (such as structural, functional, and spatial information, amino acid conservation, physicochemical variation, residue mobility, and thermodynamic stability) indicates that this missense variant is not expected to disrupt RYR1 protein function with a negative predictive value of 80%. In summary, the available evidence is currently insufficient to determine the role of this variant in disease. Therefore, it has been classified as a Variant of Uncertain Significance.

NM_000540.3(RYR1):c.5347G>A (p.Val1783Met)

Gene: RYR1 (ryanodine receptor 1; plus strand). Cytogenetic location: 19q13.2.
Variant type: single nucleotide variant.
Coding change: c.5347G>A on transcript NM_000540.3 (MANE Select); coding-DNA position 5347, G replaced by A.
Protein change: p.Val1783Met; replaces valine 1783 with methionine.
Molecular consequence: missense variant.
Genome position (GRCh38, 1-based): chr19:38,486,002, G>A. VCF-style: chr19-38486002-G-A. GRCh37 (hg19) VCF-style: chr19-38976642-G-A.
Other names: c.5347G>A, p.Val1783Met (NM_001042723.2); short protein forms V1783M.
Identifiers: ClinVar variation 1421367 (VCV001421367.6), dbSNP rs375160141, ClinGen allele CA066934.